The following is an entry in ClinVar:

NM_005215.4(DCC):c.601C>G (p.Arg201Gly)

Gene: DCC (DCC netrin 1 receptor; plus strand). Cytogenetic location: 18q21.2.
Variant type: single nucleotide variant.
Coding change: c.601C>G on transcript NM_005215.4 (MANE Select); coding-DNA position 601, C replaced by G.
Protein change: p.Arg201Gly; replaces arginine 201 with glycine.
Molecular consequence: missense variant.
Genome position (GRCh38, 1-based): chr18:52,906,232, C>G. VCF-style: chr18-52906232-C-G. GRCh37 (hg19) VCF-style: chr18-50432602-C-G.
Other names: c.601C>G (NM_005215.3); short protein forms R201G.
Identifiers: ClinVar variation 803493 (VCV000803493.8), dbSNP rs2229080, ClinGen allele CA8966576.
Genomic context (GRCh38, chr18:52,906,232, plus strand): 5'-ACTCCAATCCCAGGTGACTCCCGAGTGGTGGTCTTGCCCTCTGGAGCATTGCAGATCAGC[C>G]GACTCCAACCGGGGGACATTGGAATTTACCGATGCTCAGCTCGAAATCCAGCCAGCTCAA-3'
Protein context (NP_005206.2, residues 191-211): VLPSGALQIS[Arg201Gly]LQPGDIGIYR

ClinVar aggregate classification (germline): Benign. Review status: criteria provided, multiple submitters, no conflicts (2 of 4 stars). 6 submissions from 5 submitters: Benign (6). Last evaluated 2024-11-28.

Conditions:
Gaze palsy, familial horizontal, with progressive scoliosis, 2. Also called: GAZE PALSY, FAMILIAL HORIZONTAL, WITH PROGRESSIVE SCOLIOSIS 2, WITH IMPAIRED INTELLECTUAL DEVELOPMENT; DEVELOPMENTAL SPLIT-BRAIN SYNDROME. Identifiers: MedGen C4479640, MONDO:0054602, OMIM 617542.
Mirror movements 1 (MRMV1). Identifiers: Orphanet 238722, MedGen C1834870, OMIM 157600, MONDO:0008002.

Allele frequency attached by ClinVar (database versions not stated): ESP Exome Variant Server 0.35937; TOPMed 0.39173; ExAC 0.44475; gnomAD exomes 0.45169; 1000 Genomes Project 30x 0.46721; 1000 Genomes Project 0.47744.
gnomAD v4.1: 632,232 of 1,613,528 alleles (39%); highest among the groups gnomAD compares: South Asian, 62%; 130,283 homozygotes.

Submissions (6):

Blueprint Genetics
Classification: Benign. Last evaluated: 2024-11-28. Review status: criteria provided, single submitter. Criteria: ACMG Guidelines, 2015. Collection method: clinical testing. Allele origin: germline.

Genome-Nilou Lab
Classification: Benign for Gaze palsy, familial horizontal, with progressive scoliosis, 2. Last evaluated: 2021-07-30. Review status: criteria provided, single submitter. Criteria: ACMG Guidelines, 2015. Collection method: clinical testing. Allele origin: germline. Affected: no.

Genome-Nilou Lab
Classification: Benign for Mirror movements 1. Last evaluated: 2021-07-30. Review status: criteria provided, single submitter. Criteria: ACMG Guidelines, 2015. Collection method: clinical testing. Allele origin: germline. Affected: no.

GeneDx
Classification: Benign. Last evaluated: 2019-12-11. Review status: criteria provided, single submitter. Criteria: GeneDx Variant Classification Process June 2021. Collection method: clinical testing. Allele origin: germline. Affected: yes.
Comment: This variant is associated with the following publications: (PMID: 9440618)

Mendelics
Classification: Benign for Mirror movements 1. Last evaluated: 2019-05-28. Review status: criteria provided, single submitter. Criteria: Mendelics Assertion Criteria 2017. Collection method: clinical testing. Allele origin: unknown.

Breakthrough Genomics
Classification: Benign. Review status: criteria provided, single submitter. Criteria: ACMG Guidelines, 2015. Collection method: not provided. Allele origin: germline. Inheritance: Autosomal recessive inheritance. Affected: yes.